The following is an entry in ClinVar:

NM_002890.3(RASA1):c.1222C>G (p.Gln408Glu)

Genes: CCNH (cyclin H; minus strand), RASA1 (RAS p21 protein activator 1; plus strand). Cytogenetic location: 5q14.3.
Variant type: single nucleotide variant.
Coding change: c.1222C>G on transcript NM_002890.3 (MANE Select); coding-DNA position 1222, C replaced by G.
Protein change: p.Gln408Glu; replaces glutamine 408 with glutamic acid.
Molecular consequence: missense variant. On other transcripts: intron variant (1).
Genome position (GRCh38, 1-based): chr5:87,349,333, C>G. VCF-style: chr5-87349333-C-G. GRCh37 (hg19) VCF-style: chr5-86645150-C-G.
Other names: c.691C>G, p.Gln231Glu (NM_022650.3); c.934-36538G>C (NM_001364075.2); short protein forms Q408E, Q231E.
Identifiers: ClinVar variation 3676615 (VCV003676615.2).

ClinVar aggregate classification (germline): Uncertain significance (1 of 4 stars; one submission).

Conditions:
Capillary malformation-arteriovenous malformation syndrome. Also called: Capillary malformation-arteriovenous malformation. Identifiers: Orphanet 137667, MedGen C1842180, MONDO:0012016.

Submission:

Labcorp Genetics (formerly Invitae), Labcorp
Classification: Uncertain significance for Capillary malformation-arteriovenous malformation syndrome. Last evaluated: 2024-12-26. Review status: criteria provided, single submitter. Criteria: Invitae Variant Classification Sherloc (09022015). Collection method: clinical testing. Allele origin: germline.
Comment: This sequence change replaces glutamine, which is neutral and polar, with glutamic acid, which is acidic and polar, at codon 408 of the RASA1 protein (p.Gln408Glu). This variant is not present in population databases (gnomAD no frequency). This variant has not been reported in the literature in individuals affected with RASA1-related conditions. An algorithm developed to predict the effect of missense changes on protein structure and function (PolyPhen-2) suggests that this variant is likely to be disruptive. In summary, the available evidence is currently insufficient to determine the role of this variant in disease. Therefore, it has been classified as a Variant of Uncertain Significance.